The following is an entry in ClinVar:

NM_000256.3(MYBPC3):c.100_110dup (p.Val38fs)

Gene: MYBPC3 (myosin binding protein C3; minus strand). Cytogenetic location: 11p11.2.
Variant type: Duplication.
Coding change: c.100_110dup on transcript NM_000256.3 (MANE Select); coding-DNA positions 100 to 110, 11 bases duplicated (GAGCGGGCAGG).
Protein change: p.Val38fs; shifts the reading frame from valine 38.
Molecular consequence: frameshift variant.
Genome position (GRCh38, 1-based): chr11:47,351,421-47,351,431, CCTGCCCGCTC duplicated on the plus strand (GAGCGGGCAGG on the coding strand, the reverse complement: MYBPC3 is on the minus strand). VCF-style (leftmost placement, unchanged base first): chr11-47351420-T-TCCTGCCCGCTC. GRCh37 (hg19) VCF-style: chr11-47372971-T-TCCTGCCCGCTC.
Other names: short protein forms V38fs.
Identifiers: ClinVar variation 3721027 (VCV003721027.2).

ClinVar aggregate classification (germline): Pathogenic (1 of 4 stars; one submission).

Conditions:
Hypertrophic cardiomyopathy. Also called: HYPERTROPHIC MYOCARDIOPATHY. Identifiers: Orphanet 217569, MedGen C0007194, MeSH D002312, MONDO:0005045, HP:0001639.

Submission:

Labcorp Genetics (formerly Invitae), Labcorp
Classification: Pathogenic for Hypertrophic cardiomyopathy. Last evaluated: 2024-03-27. Review status: criteria provided, single submitter. Criteria: Invitae Variant Classification Sherloc (09022015). Collection method: clinical testing. Allele origin: germline.
Comment: This sequence change creates a premature translational stop signal (p.Val38Serfs*5) in the MYBPC3 gene. It is expected to result in an absent or disrupted protein product. Loss-of-function variants in MYBPC3 are known to be pathogenic (PMID: 19574547). This variant is not present in population databases (gnomAD no frequency). This premature translational stop signal has been observed in individual(s) with hypertrophic cardiomyopathy (PMID: 27532257). Algorithms developed to predict the effect of sequence changes on RNA splicing suggest that this variant may disrupt the consensus splice site. For these reasons, this variant has been classified as Pathogenic.

Literature cited by the submitters: PubMed 19574547; PubMed 27532257.